The following is an entry in ClinVar:

NM_003742.4(ABCB11):c.997A>T (p.Ile333Phe)

Gene: ABCB11 (ATP binding cassette subfamily B member 11; minus strand). Cytogenetic location: 2q31.1.
Variant type: single nucleotide variant.
Coding change: c.997A>T on transcript NM_003742.4 (MANE Select); coding-DNA position 997, A replaced by T.
Protein change: p.Ile333Phe; replaces isoleucine 333 with phenylalanine.
Molecular consequence: missense variant.
Genome position (GRCh38, 1-based): chr2:168,986,196, T>A on the plus strand (A>T on the coding strand, the complement: ABCB11 is on the minus strand). VCF-style: chr2-168986196-T-A. GRCh37 (hg19) VCF-style: chr2-169842706-T-A.
Other names: short protein forms I333F.
Identifiers: ClinVar variation 4846054 (VCV004846054.1).
Genomic context (GRCh38, chr2:168,986,196, plus strand): 5'-CTCCTTCATCCAGGACAAGTGTGGAGCCGTACCAGAAGGCCAGTGCATAACACAAAAAGA[T>A]GAGACACCACACGAATCCAGTAAAGAATCCCATCACTATTCCTTTTCTAATTCCCCAACG-3'
Protein context (NP_003733.2, residues 323-343): GFFTGFVWCL[Ile333Phe]FLCYALAFWY

ClinVar aggregate classification (germline): Uncertain significance (1 of 4 stars; one submission).

Conditions:
Familial intrahepatic cholestasis. Identifiers: Orphanet 284385, MedGen CN296401, MONDO:0017290.

gnomAD v4.1: 17 of 1,613,194 alleles (0.0011%); highest among the groups gnomAD compares: African/African-American, 0.0013%; no homozygotes.

Submission:

Genomenon, Inc
Classification: Uncertain significance for Familial intrahepatic cholestasis. Last evaluated: 2026-04-14. Review status: criteria provided, single submitter. Criteria: Genomenon Sequence Variant Interpretation Standards - Updated. Collection method: curation. Allele origin: germline. Affected: yes.
Comment: ABCB11 p.Ile333Phe (c.997A>T) is a missense variant that changes the amino acid at residue 333 from Isoleucine to Phenylalanine. This variant has been observed in at least one proband with an ABCB11-related disorder (PMID:37361697). It is absent or not present at a significant frequency in gnomAD. In silico models predict that this variant is possibly or probably damaging. In conclusion, we classify ABCB11 p.Ile333Phe (c.997A>T) as a variant of uncertain significance.

Literature cited by the submitters: PubMed 37361697.